The following is an entry in ClinVar:

ClinVar aggregate classification (germline): Likely pathogenic (1 of 4 stars; one submission).

Conditions:
Seckel syndrome 6 (SCKL6). Identifiers: MedGen C3553582, MONDO:0013871, OMIM 614728.

Submission:

First Genomix Gene Laboratory, Genetic Diagnostics Department
Classification: Likely pathogenic for Seckel syndrome 6. Last evaluated: 2025-05-08. Review status: criteria provided, single submitter. Criteria: ACMG Guidelines, 2015. Collection method: clinical testing. Allele origin: germline. Inheritance: Autosomal recessive inheritance. Affected: no. Observed: 1 variant allele.

NM_001353108.3(CEP63):c.790-1G>A

Gene: CEP63 (centrosomal protein 63; plus strand). Cytogenetic location: 3q22.2.
Variant type: single nucleotide variant.
Coding change: c.790-1G>A on transcript NM_001353108.3 (MANE Select); the canonical splice acceptor site of the intron before coding-DNA position 790, G replaced by A.
Molecular consequence: splice acceptor variant.
Genome position (GRCh38, 1-based): chr3:134,546,148, G>A. VCF-style: chr3-134546148-G-A. GRCh37 (hg19) VCF-style: chr3-134264990-G-A.
Other names: c.790-1G>A (NM_001353113.1, NM_001042384.2, NM_001353122.1 and 13 more transcripts); c.817-1G>A (NM_001353118.1); c.427-1G>A (NM_001353126.2); c.706-1G>A (NM_001353125.2).
Identifiers: ClinVar variation 4845915 (VCV004845915.1).
Genomic context (GRCh38, chr3:134,546,148, plus strand): 5'-TTGCAGGTTCTGCAGGAATTAAAAAGAAGGAAAATTATAATCATATTTGACTTTTTTGCA[G>A]GCTCTGCAGGAAGAAAAGAGAGAATTGAAGGCAGCTCTTCAGTCTCAAGAAAATCTCATA-3'